The following is an entry in ClinVar:

NM_199069.2(NDUFAF3):c.271-15C>T

Gene: NDUFAF3 (NADH:ubiquinone oxidoreductase complex assembly factor 3; plus strand). Cytogenetic location: 3p21.31.
Variant type: single nucleotide variant.
Coding change: c.271-15C>T on transcript NM_199069.2 (MANE Select); 15 bases into the intron before coding-DNA position 271, C replaced by T.
Molecular consequence: intron variant.
Genome position (GRCh38, 1-based): chr3:49,022,687, C>T. VCF-style: chr3-49022687-C-T. GRCh37 (hg19) VCF-style: chr3-49060120-C-T.
Other names: c.100-15C>T (NM_199074.2, NM_199073.2, NM_199070.2).
Identifiers: ClinVar variation 507254 (VCV000507254.1), dbSNP rs1256864414, ClinGen allele CA658796317.

ClinVar aggregate classification (germline): Likely benign (1 of 4 stars; one submission).

Allele frequency attached by ClinVar (database versions not stated): gnomAD exomes below 0.00001.
gnomAD v4.1: 3 of 1,614,070 alleles (0.00019%); highest among the groups gnomAD compares: Non-Finnish European, 0.00025%; no homozygotes.

Submission:

GeneDx
Classification: Likely benign. Last evaluated: 2017-02-07. Review status: criteria provided, single submitter. Criteria: GeneDx Variant Classification (06012015). Collection method: clinical testing. Allele origin: germline. Affected: yes.
Comment: This variant is considered likely benign or benign based on one or more of the following criteria: it is a conservative change, it occurs at a poorly conserved position in the protein, it is predicted to be benign by multiple in silico algorithms, and/or has population frequency not consistent with disease.